The following is an entry in ClinVar:

NM_032608.7(MYO18B):c.4932_4943del (p.Gln1645_Leu1648del)

Gene: MYO18B (myosin XVIIIB; plus strand). Cytogenetic location: 22q12.1.
Variant type: Deletion.
Coding change: c.4932_4943del on transcript NM_032608.7 (MANE Select); coding-DNA positions 4932 to 4943, 12 bases deleted (TCAGCAGCAGCT).
Protein change: p.Gln1645_Leu1648del.
Molecular consequence: inframe deletion.
Genome position (GRCh38, 1-based): chr22:25,902,721-25,902,732, TCAGCAGCAGCT deleted; deleting any 12 consecutive bases within chr22:25,902,716-25,902,732 gives the same sequence; the c. name uses the placement nearest the transcript's 3' end. VCF-style (leftmost placement, unchanged base first): chr22-25902715-CCAGCTTCAGCAG-C. GRCh37 (hg19) VCF-style: chr22-26298682-CCAGCTTCAGCAG-C.
Other names: c.4935_4946del, p.Gln1646_Leu1649del (NM_001318245.2).
Identifiers: ClinVar variation 1470388 (VCV001470388.8), dbSNP rs759754033, ClinGen allele CA10161026.

ClinVar aggregate classification (germline): Uncertain significance (1 of 4 stars; one submission).

Submission:

Labcorp Genetics (formerly Invitae), Labcorp
Classification: Uncertain significance. Last evaluated: 2022-02-24. Review status: criteria provided, single submitter. Criteria: Invitae Variant Classification Sherloc (09022015). Collection method: clinical testing. Allele origin: germline.
Comment: In summary, the available evidence is currently insufficient to determine the role of this variant in disease. Therefore, it has been classified as a Variant of Uncertain Significance. Experimental studies and prediction algorithms are not available or were not evaluated, and the functional significance of this variant is currently unknown. This variant has not been reported in the literature in individuals affected with MYO18B-related conditions. This variant is present in population databases (rs759754033, gnomAD 0.003%). This variant, c.4932_4943del, results in the deletion of 4 amino acid(s) of the MYO18B protein (p.Gln1645_Leu1648del), but otherwise preserves the integrity of the reading frame.